The following is an entry in ClinVar:

ClinVar aggregate classification (germline): Likely pathogenic (1 of 4 stars; one submission).

Submission:

Labcorp Genetics (formerly Invitae), Labcorp
Classification: Likely pathogenic. Last evaluated: 2023-06-05. Review status: criteria provided, single submitter. Criteria: Invitae Variant Classification Sherloc (09022015). Collection method: clinical testing. Allele origin: germline.
Comment: In summary, the currently available evidence indicates that the variant is pathogenic, but additional data are needed to prove that conclusively. Therefore, this variant has been classified as Likely Pathogenic. Experimental studies have shown that this missense change affects RNF213 function (PMID: 35135845). An algorithm developed to predict the effect of missense changes on protein structure and function (PolyPhen-2) suggests that this variant is likely to be disruptive. This missense change has been observed in individual(s) with autosomal dominant Moyamoya disease (PMID: 27787485). In at least one individual the variant was observed to be de novo. This variant is not present in population databases (gnomAD no frequency). This sequence change replaces cysteine, which is neutral and slightly polar, with serine, which is neutral and polar, at codon 4017 of the RNF213 protein (p.Cys4017Ser).

Literature cited by the submitters: PubMed 35135845; PubMed 27787485.

NM_001256071.3(RNF213):c.12050G>C (p.Cys4017Ser)

Genes: RNF213 (ring finger protein 213; plus strand), RNF213-AS1 (RNF213 antisense RNA 1; minus strand). Cytogenetic location: 17q25.3.
Variant type: single nucleotide variant.
Coding change: c.12050G>C on transcript NM_001256071.3 (MANE Select); coding-DNA position 12050, G replaced by C.
Protein change: p.Cys4017Ser; replaces cysteine 4017 with serine.
Molecular consequence: missense variant.
Genome position (GRCh38, 1-based): chr17:80,368,038, G>C. VCF-style: chr17-80368038-G-C. GRCh37 (hg19) VCF-style: chr17-78341838-G-C.
Other names: c.12197G>C, p.Cys4066Ser (NM_001410195.1, NM_020914.5); short protein forms C4017S, C4066S.
Identifiers: ClinVar variation 2721123 (VCV002721123.3), dbSNP rs2511483243, ClinGen allele CA401409112.